The following is an entry in ClinVar:

ClinVar aggregate classification (germline): Uncertain significance (1 of 4 stars; one submission).

Conditions:
Neuropathy, hereditary sensory, type 1F. Also called: HSN IF; Hereditary sensory neuropathy type IF. Identifiers: Orphanet 36386, MedGen C3810194, MONDO:0014286, OMIM 615632.

Allele frequency attached by ClinVar (database versions not stated): gnomAD exomes 0.00002.
gnomAD v4.1: 29 of 1,606,758 alleles (0.0018%); highest among the groups gnomAD compares: Non-Finnish European, 0.0024%; no homozygotes.

Submission:

Labcorp Genetics (formerly Invitae), Labcorp
Classification: Uncertain significance for Neuropathy, hereditary sensory, type 1F. Last evaluated: 2020-03-18. Review status: criteria provided, single submitter. Criteria: Invitae Variant Classification Sherloc (09022015). Collection method: clinical testing. Allele origin: germline.
Comment: Algorithms developed to predict the effect of missense changes on protein structure and function (SIFT, PolyPhen-2, Align-GVGD) all suggest that this variant is likely to be tolerated, but these predictions have not been confirmed by published functional studies and their clinical significance is uncertain. This variant has not been reported in the literature in individuals with ATL3-related disease. This variant is not present in population databases (ExAC no frequency). This sequence change replaces lysine with threonine at codon 375 of the ATL3 protein (p.Lys375Thr). The lysine residue is moderately conserved and there is a moderate physicochemical difference between lysine and threonine. In summary, the available evidence is currently insufficient to determine the role of this variant in disease. Therefore, it has been classified as a Variant of Uncertain Significance.

NM_015459.5(ATL3):c.1124A>C (p.Lys375Thr)

Genes: ATL3 (atlastin GTPase 3; minus strand), LNCROPM (lncRNA regulator of PLAAT3 mediated phospholipid metabolism; plus strand), LOC126861231 (CDK7 strongly-dependent group 2 enhancer GRCh37_chr11:63398741-63399940; plus strand). Cytogenetic location: 11q13.1.
Variant type: single nucleotide variant.
Coding change: c.1124A>C on transcript NM_015459.5 (MANE Select); coding-DNA position 1124, A replaced by C.
Protein change: p.Lys375Thr; replaces lysine 375 with threonine.
Molecular consequence: missense variant.
Genome position (GRCh38, 1-based): chr11:63,631,455, T>G on the plus strand (A>C on the coding strand, the complement: ATL3 is on the minus strand). VCF-style: chr11-63631455-T-G. GRCh37 (hg19) VCF-style: chr11-63398927-T-G.
Other names: c.1070A>C, p.Lys357Thr (NM_001290048.2); short protein forms K375T, K357T.
Identifiers: ClinVar variation 541682 (VCV000541682.9), dbSNP rs753546335, ClinGen allele CA223740887.